The following is an entry in ClinVar:

NM_004204.5(PIGQ):c.1117G>A (p.Val373Met)

Gene: PIGQ (phosphatidylinositol glycan anchor biosynthesis class Q; plus strand). Cytogenetic location: 16p13.3.
Variant type: single nucleotide variant.
Coding change: c.1117G>A on transcript NM_004204.5 (MANE Select); coding-DNA position 1117, G replaced by A.
Protein change: p.Val373Met; replaces valine 373 with methionine.
Molecular consequence: missense variant.
Genome position (GRCh38, 1-based): chr16:578,832, G>A. VCF-style: chr16-578832-G-A. GRCh37 (hg19) VCF-style: chr16-628832-G-A.
Other names: c.1117G>A (NM_148920.1); c.1117G>A, p.Val373Met (NM_148920.4); short protein forms V373M.
Identifiers: ClinVar variation 526269 (VCV000526269.44), dbSNP rs150887807, ClinGen allele CA7780124.
Genomic context (GRCh38, chr16:578,832, plus strand): 5'-CCCACCCTGCCAGGCTACATCCACCTCATGTCCCCCTTCGTGGAGCACATCCTTTGGCAC[G>A]TGGGCCTCTCGGCCTGCCTGGGCCTGACGGTGGCCCTGTCCCTCCTCTCGGACATTATCG-3'
Protein context (NP_004195.2, residues 363-383): SPFVEHILWH[Val373Met]GLSACLGLTV

ClinVar aggregate classification (germline): Conflicting classifications of pathogenicity. Review status: criteria provided, conflicting classifications (1 of 4 stars). 6 submissions from 6 submitters: Uncertain significance (5); Likely benign (1). Last evaluated 2026-07-01.

Conditions:
Developmental and epileptic encephalopathy, 77. Also called: GLYCOSYLPHOSPHATIDYLINOSITOL BIOSYNTHESIS DEFECT 19; MULTIPLE CONGENITAL ANOMALIES-HYPOTONIA-SEIZURES SYNDROME 4; EPILEPTIC ENCEPHALOPATHY, EARLY INFANTILE, 77. Identifiers: MedGen C5231405, MONDO:0032808, OMIM 618548.
Inborn genetic diseases. Identifiers: MedGen C0950123, MeSH D030342.
Epilepsy. Also called: Seizure disorder. Identifiers: MedGen C0014544, MeSH D004827, MONDO:0005027.

Allele frequency attached by ClinVar (database versions not stated): ESP Exome Variant Server 0.00023; TOPMed 0.00025; gnomAD 0.00039 and 0.00040; gnomAD exomes 0.00043; ExAC 0.00047.
gnomAD v4.1: 632 of 1,613,652 alleles (0.039%); highest among the groups gnomAD compares: Non-Finnish European, 0.045%; no homozygotes.

Submissions (6):

CeGaT Center for Human Genetics Tuebingen
Classification: Likely benign. Last evaluated: 2026-07-01. Review status: criteria provided, single submitter. Criteria: CeGaT Center For Human Genetics Tuebingen Variant Classification Criteria Version 2. Collection method: clinical testing. Allele origin: germline. Affected: yes. Observed: 5 variant alleles.
Comment: PIGQ: BP4

Labcorp Genetics (formerly Invitae), Labcorp
Classification: Uncertain significance for Epilepsy. Last evaluated: 2026-01-17. Review status: criteria provided, single submitter. Criteria: Invitae Variant Classification Sherloc (09022015). Collection method: clinical testing. Allele origin: germline.
Comment: This sequence change replaces valine, which is neutral and non-polar, with methionine, which is neutral and non-polar, at codon 373 of the PIGQ protein (p.Val373Met). This variant is present in population databases (rs150887807, gnomAD 0.1%), and has an allele count higher than expected for a pathogenic variant. This variant has not been reported in the literature in individuals affected with PIGQ-related conditions. ClinVar contains an entry for this variant (Variation ID: 526269). An algorithm developed to predict the effect of missense changes on protein structure and function outputs the following: PolyPhen-2: "Benign". The methionine amino acid residue is found in multiple mammalian species, which suggests that this missense change does not adversely affect protein function. In summary, the available evidence is currently insufficient to determine the role of this variant in disease. Therefore, it has been classified as a Variant of Uncertain Significance.

Blueprint Genetics
Classification: Uncertain significance. Last evaluated: 2024-11-22. Review status: criteria provided, single submitter. Criteria: ACMG Guidelines, 2015. Collection method: clinical testing. Allele origin: germline.

GeneDx
Classification: Uncertain significance. Last evaluated: 2024-07-27. Review status: criteria provided, single submitter. Criteria: GeneDx Variant Classification Process June 2021. Collection method: clinical testing. Allele origin: germline. Affected: yes.
Comment: In silico analysis indicates that this missense variant does not alter protein structure/function; Has not been previously published as pathogenic or benign to our knowledge

ARUP Laboratories, Molecular Genetics and Genomics, ARUP Laboratories
Classification: Uncertain significance for Developmental and epileptic encephalopathy, 77. Last evaluated: 2024-05-09. Review status: criteria provided, single submitter. Criteria: ARUP Molecular Germline Variant Investigation Process 2024. Collection method: clinical testing. Allele origin: germline.

Ambry Genetics
Classification: Uncertain significance for Inborn genetic diseases. Last evaluated: 2022-05-31. Review status: criteria provided, single submitter. Criteria: Ambry Variant Classification Scheme 2023. Collection method: clinical testing. Allele origin: germline.